The following is an entry in ClinVar:

NM_014244.5(ADAMTS2):c.106_107insGGGGCATT (p.Asn36fs)

Gene: ADAMTS2 (ADAM metallopeptidase with thrombospondin type 1 motif 2; minus strand). Cytogenetic location: 5q35.3.
Variant type: Insertion.
Coding change: c.106_107insGGGGCATT on transcript NM_014244.5 (MANE Select); coding-DNA positions 106 to 107, GGGGCATT inserted.
Protein change: p.Asn36fs; shifts the reading frame from asparagine 36.
Molecular consequence: frameshift variant.
Genome position: GRCh38 VCF-style: chr5-179345222-T-TAATGCCCC. GRCh37 (hg19) VCF-style: chr5-178772223-T-TAATGCCCC.
Other names: c.106_107insGGGGCATT, p.Asn36fs (NM_021599.4); short protein forms N36fs.
Identifiers: ClinVar variation 5010686 (VCV005010686.1).

ClinVar aggregate classification (germline): Pathogenic (1 of 4 stars; one submission).

Conditions:
Ehlers-Danlos syndrome, dermatosparaxis type. Also called: EDS VIIC; Dermatosparaxis; Ehlers-Danlos syndrome, type VII, autosomal recessive. Identifiers: Orphanet 1901, MedGen C2700425, MONDO:0009161, OMIM 225410.

Submission:

Myriad Genetics, Inc.
Classification: Pathogenic for Ehlers-Danlos syndrome, dermatosparaxis type. Last evaluated: 2024-05-14. Review status: criteria provided, single submitter. Criteria: Myriad Autosomal Dominant, Autosomal Recessive and X-Linked Classification Criteria (2023). Collection method: clinical testing. Allele origin: unknown.
Comment: NM_014244.4(ADAMTS2):c.106_107ins8(N36Rfs*132) is expected to be pathogenic in the context of Ehlers-Danlos syndrome, ADAMTS2-related. This variant is predicted to lead to an abnormal or absent protein product due to the creation of a premature termination codon in ADAMTS2, a gene where loss-of-function variants are known to be pathogenic. Please note: this variant was assessed in the context of healthy population screening.